The following is an entry in ClinVar:

NM_015466.4(PTPN23):c.2666C>T (p.Ala889Val)

Gene: PTPN23 (protein tyrosine phosphatase non-receptor type 23; plus strand). Cytogenetic location: 3p21.31.
Variant type: single nucleotide variant.
Coding change: c.2666C>T on transcript NM_015466.4 (MANE Select); coding-DNA position 2666, C replaced by T.
Protein change: p.Ala889Val; replaces alanine 889 with valine.
Molecular consequence: missense variant.
Genome position (GRCh38, 1-based): chr3:47,410,464, C>T. VCF-style: chr3-47410464-C-T. GRCh37 (hg19) VCF-style: chr3-47451954-C-T.
Other names: c.2288C>T, p.Ala763Val (NM_001304482.2); c.2666C>T (NM_015466.2); short protein forms A889V, A763V.
Identifiers: ClinVar variation 2188893 (VCV002188893.2), dbSNP rs749045037, ClinGen allele CA2366098.

ClinVar aggregate classification (germline): Uncertain significance. Review status: criteria provided, multiple submitters, no conflicts (2 of 4 stars). 2 submissions from 2 submitters: Uncertain significance (2). Last evaluated 2022-10-20.

Conditions:
Inborn genetic diseases. Identifiers: MedGen C0950123, MeSH D030342.

Allele frequency attached by ClinVar (database versions not stated): gnomAD exomes 0.00001; gnomAD 0.00002; TOPMed 0.00002.
gnomAD v4.1: 16 of 1,610,390 alleles (0.00099%); highest among the groups gnomAD compares: Admixed American, 0.0084%; no homozygotes.

Submissions (2):

Labcorp Genetics (formerly Invitae), Labcorp
Classification: Uncertain significance. Last evaluated: 2022-10-20. Review status: criteria provided, single submitter. Criteria: Invitae Variant Classification Sherloc (09022015). Collection method: clinical testing. Allele origin: germline.
Comment: This sequence change replaces alanine, which is neutral and non-polar, with valine, which is neutral and non-polar, at codon 889 of the PTPN23 protein (p.Ala889Val). This variant is present in population databases (rs749045037, gnomAD 0.01%). This variant has not been reported in the literature in individuals affected with PTPN23-related conditions. Algorithms developed to predict the effect of missense changes on protein structure and function are either unavailable or do not agree on the potential impact of this missense change (SIFT: "Tolerated"; PolyPhen-2: "Not Available"; Align-GVGD: "Class C0"). In summary, the available evidence is currently insufficient to determine the role of this variant in disease. Therefore, it has been classified as a Variant of Uncertain Significance.

Ambry Genetics
Classification: Uncertain significance for Inborn genetic diseases. Last evaluated: 2021-08-12. Review status: criteria provided, single submitter. Criteria: Ambry Variant Classification Scheme 2023. Collection method: clinical testing. Allele origin: germline.